The following is an entry in ClinVar:

ClinVar aggregate classification (germline): Uncertain significance (1 of 4 stars; one submission).

Submission:

Labcorp Genetics (formerly Invitae), Labcorp
Classification: Uncertain significance. Last evaluated: 2025-03-17. Review status: criteria provided, single submitter. Criteria: Invitae Variant Classification Sherloc (09022015). Collection method: clinical testing. Allele origin: germline.
Comment: This sequence change replaces glutamic acid, which is acidic and polar, with valine, which is neutral and non-polar, at codon 294 of the IMPG2 protein (p.Glu294Val). This variant is not present in population databases (gnomAD no frequency). This variant has not been reported in the literature in individuals affected with IMPG2-related conditions. ClinVar contains an entry for this variant (Variation ID: 1433018). Invitae Evidence Modeling of protein sequence and biophysical properties (such as structural, functional, and spatial information, amino acid conservation, physicochemical variation, residue mobility, and thermodynamic stability) indicates that this missense variant is expected to disrupt IMPG2 protein function with a positive predictive value of 80%. In summary, the available evidence is currently insufficient to determine the role of this variant in disease. Therefore, it has been classified as a Variant of Uncertain Significance.

NM_016247.4(IMPG2):c.881A>T (p.Glu294Val)

Gene: IMPG2 (interphotoreceptor matrix proteoglycan 2; minus strand). Cytogenetic location: 3q12.3.
Variant type: single nucleotide variant.
Coding change: c.881A>T on transcript NM_016247.4 (MANE Select); coding-DNA position 881, A replaced by T.
Protein change: p.Glu294Val; replaces glutamic acid 294 with valine.
Molecular consequence: missense variant.
Genome position (GRCh38, 1-based): chr3:101,269,521, T>A on the plus strand (A>T on the coding strand, the complement: IMPG2 is on the minus strand). VCF-style: chr3-101269521-T-A. GRCh37 (hg19) VCF-style: chr3-100988365-T-A.
Other names: short protein forms E294V.
Identifiers: ClinVar variation 1433018 (VCV001433018.6), dbSNP rs2107246372, ClinGen allele CA353867381.
Genomic context (GRCh38, chr3:101,269,521, plus strand): 5'-ATTCAGAATAAAGAATACTACTGAAAATGTGCATATTTAGATAAGTCTATTTACCTAAAT[T>A]CAAGTACACGAATTTCCTTGTAGCCTGGTAACCCAGTAAATGCATTTTCAACCTGTTAAA-3'
Protein context (NP_057331.2, residues 284-304): LPGYKEIRVL[Glu294Val]FRSPKENDSG